The following is an entry in ClinVar:

NM_001376.5(DYNC1H1):c.596A>G (p.Asn199Ser)

Gene: DYNC1H1 (dynein cytoplasmic 1 heavy chain 1; plus strand). Cytogenetic location: 14q32.31.
Variant type: single nucleotide variant.
Coding change: c.596A>G on transcript NM_001376.5 (MANE Select); coding-DNA position 596, A replaced by G.
Protein change: p.Asn199Ser; replaces asparagine 199 with serine.
Molecular consequence: missense variant.
Genome position (GRCh38, 1-based): chr14:101,979,796, A>G. VCF-style: chr14-101979796-A-G. GRCh37 (hg19) VCF-style: chr14-102446133-A-G.
Other names: short protein forms N199S.
Identifiers: ClinVar variation 1311516 (VCV001311516.3), dbSNP rs77216005, ClinGen allele CA266973245.
Genomic context (GRCh38, chr14:101,979,796, plus strand): 5'-CTCCTTCAGTTGAAAAGAAGATTGCAGAACTCGAAATGGGACTCCTTCACTTGCAGCAAA[A>G]TATTGAAATTCCGGAGATCAGCCTGCCGATTCATCCAATGATCACAAATGTTGCAAAACA-3'
Protein context (NP_001367.2, residues 189-209): LEMGLLHLQQ[Asn199Ser]IEIPEISLPI

ClinVar aggregate classification (germline): Uncertain significance (1 of 4 stars; one submission).

Submission:

GeneDx
Classification: Uncertain significance. Last evaluated: 2025-06-13. Review status: criteria provided, single submitter. Criteria: GeneDx Variant Classification Process June 2021. Collection method: clinical testing. Allele origin: germline. Affected: yes.
Comment: Reported previously in a parent and two children with SMA-LED; however another variant (S3360G) was co-segregating with the disorder and thus likely present in cis with N199S (PMID: 26100331); Not observed at significant frequency in large population cohorts (gnomAD); In silico analysis supports that this missense variant has a deleterious effect on protein structure/function; This variant is associated with the following publications: (PMID: 25512093, 25609763, 26100331)